The following is an entry in ClinVar:

ClinVar aggregate classification (germline): Uncertain significance (1 of 4 stars; one submission).

Allele frequency attached by ClinVar (database versions not stated): gnomAD exomes below 0.00001; ExAC 0.00001; gnomAD 0.00001; TOPMed 0.00003; ESP Exome Variant Server 0.00008.
gnomAD v4.1: 7 of 1,613,962 alleles (0.00043%); highest among the groups gnomAD compares: African/African-American, 0.0067%; no homozygotes.

Submission:

Women's Health and Genetics/Laboratory Corporation of America, LabCorp
Classification: Uncertain significance. Last evaluated: 2024-01-02. Review status: criteria provided, single submitter. Criteria: LabCorp Variant Classification Summary - May 2015. Collection method: clinical testing. Allele origin: germline.
Comment: Variant summary: EPRS1 c.3271A>G (p.Lys1091Glu) results in a conservative amino acid change located in the Aminoacyl-tRNA synthetase, class II domain (IPR006195) of the encoded protein sequence. Four of five in-silico tools predict a damaging effect of the variant on protein function. The variant allele was found at a frequency of 4.3e-06 in 1613962 control chromosomes (i.e., 7 alleles, no homozygotes; gnomAD v4.0.0). The available data on variant occurrences in the general population are insufficient to allow any conclusion about variant significance. To our knowledge, no occurrence of c.3271A>G in individuals affected with Leukodystrophy, Hypomyelinating, 15 and no experimental evidence demonstrating its impact on protein function have been reported. No submitters have reported clinical-significance assessments for this variant to ClinVar after 2014. Based on the evidence outlined above, the variant was classified as uncertain significance.

NM_004446.3(EPRS1):c.3271A>G (p.Lys1091Glu)

Gene: EPRS1 (glutamyl-prolyl-tRNA synthetase 1; minus strand). Cytogenetic location: 1q41.
Variant type: single nucleotide variant.
Coding change: c.3271A>G on transcript NM_004446.3 (MANE Select); coding-DNA position 3271, A replaced by G.
Protein change: p.Lys1091Glu; replaces lysine 1091 with glutamic acid.
Molecular consequence: missense variant.
Genome position (GRCh38, 1-based): chr1:219,983,218, T>C on the plus strand (A>G on the coding strand, the complement: EPRS1 is on the minus strand). VCF-style: chr1-219983218-T-C. GRCh37 (hg19) VCF-style: chr1-220156560-T-C.
Other names: short protein forms K1091E.
Identifiers: ClinVar variation 3063911 (VCV003063911.1), dbSNP rs139441122, ClinGen allele CA1399748.
Genomic context (GRCh38, chr1:219,983,218, plus strand): 5'-TTGCAAAAAATAAAAAAGCAAGCTCACTTACCTCTGGGGCAAAGTCAGCAACATGAGTCT[T>C]CTCTTTCTCTAATGCACTTTGAGACACAAACATGGGGAAGTAGCAGTTTTCAACACCAAG-3'
Protein context (NP_004437.2, residues 1081-1101): FVSQSALEKE[Lys1091Glu]THVADFAPEV